The following is an entry in ClinVar:

NM_015001.3(SPEN):c.301A>G (p.Ser101Gly)

Gene: SPEN (spen family transcriptional repressor; plus strand). Cytogenetic location: 1p36.21.
Variant type: single nucleotide variant.
Coding change: c.301A>G on transcript NM_015001.3 (MANE Select); coding-DNA position 301, A replaced by G.
Protein change: p.Ser101Gly; replaces serine 101 with glycine.
Molecular consequence: missense variant.
Genome position (GRCh38, 1-based): chr1:15,873,033, A>G. VCF-style: chr1-15873033-A-G. GRCh37 (hg19) VCF-style: chr1-16199528-A-G.
Other names: short protein forms S101G.
Identifiers: ClinVar variation 2628658 (VCV002628658.2), dbSNP rs181125105, ClinGen allele CA618781.

ClinVar aggregate classification (germline): Uncertain significance (1 of 4 stars; one submission).

Conditions:
SPEN-related disorder. Also called: SPEN-related condition.

Allele frequency attached by ClinVar (database versions not stated): gnomAD 0.00001; gnomAD exomes 0.00002; TOPMed 0.00002; ExAC 0.00006; 1000 Genomes Project 30x 0.00016; 1000 Genomes Project 0.00020.
gnomAD v4.1: 13 of 1,614,176 alleles (0.00081%); highest among the groups gnomAD compares: Admixed American, 0.017%; no homozygotes.

Submission:

PreventionGenetics, part of Exact Sciences
Classification: Uncertain significance for SPEN-related condition. Last evaluated: 2025-07-11. Review status: criteria provided, single submitter. Criteria: ACMG Guidelines, 2015. Collection method: clinical testing. Allele origin: germline.
Comment: The SPEN c.301A>G variant is predicted to result in the amino acid substitution p.Ser101Gly. To our knowledge, this variant has not been reported in the literature. This variant is reported in 0.031% of alleles in individuals of Latino descent in gnomAD. Although we suspect that this variant may be benign, at this time, the clinical significance of this variant is uncertain due to the absence of conclusive functional and genetic evidence.